The following is an entry in ClinVar:

ClinVar aggregate classification (germline): Pathogenic (1 of 4 stars; one submission).

Conditions:
Hermansky-Pudlak syndrome 1 (HPS1). Also called: DELTA STORAGE POOL DISEASE. Identifiers: Orphanet 231500, Orphanet 79430, MedGen C2931875, MONDO:0008748, OMIM 203300.

Submission:

Myriad Genetics, Inc.
Classification: Pathogenic for Hermansky-Pudlak syndrome 1. Last evaluated: 2025-07-07. Review status: criteria provided, single submitter. Criteria: Myriad Autosomal Dominant, Autosomal Recessive and X-Linked Classification Criteria (2023). Collection method: clinical testing. Allele origin: unknown.
Comment: NM_000195.3(HPS1):c.598G>T(E200*) is expected to be pathogenic in the context of Hermansky-Pudlak syndrome, HPS1-related. This variant is predicted to lead to an abnormal or absent protein product due to the creation of a premature termination codon in HPS1, a gene where loss-of-function variants are known to be pathogenic. Please note: this variant was assessed in the context of healthy population screening.

NM_000195.5(HPS1):c.598G>T (p.Glu200Ter)

Gene: HPS1 (HPS1 biogenesis of lysosomal organelles complex 3 subunit 1; minus strand). Cytogenetic location: 10q24.2.
Variant type: single nucleotide variant.
Coding change: c.598G>T on transcript NM_000195.5 (MANE Select); coding-DNA position 598, G replaced by T.
Protein change: p.Glu200Ter; replaces glutamic acid 200 with a stop codon.
Molecular consequence: nonsense. On other transcripts: 5 prime UTR variant (3), intron variant (5).
Genome position (GRCh38, 1-based): chr10:98,431,201, C>A on the plus strand (G>T on the coding strand, the complement: HPS1 is on the minus strand). VCF-style: chr10-98431201-C-A. GRCh37 (hg19) VCF-style: chr10-100190958-C-A.
Other names: c.-276G>T (NM_001311345.2, NM_001322489.2); c.598G>T, p.Glu200Ter (NM_001322476.2, NM_001322477.2, NM_001322478.2 and 3 more transcripts); c.229G>T, p.Glu77Ter (NM_001322483.2, NM_001322484.2, NM_001322485.2); c.-375G>T (NM_001322487.2); c.408-531G>T (NM_001322480.2, NM_001322482.2, NM_001322481.2); c.551-531G>T (NM_001322492.2, NM_001322490.2); short protein forms E200*, E77*.
Identifiers: ClinVar variation 5014701 (VCV005014701.1).